The following is an entry in ClinVar:

NM_000388.4(CASR):c.636dup (p.Ala213fs)

Gene: CASR (calcium sensing receptor; plus strand). Cytogenetic location: 3q21.1.
Variant type: Duplication.
Coding change: c.636dup on transcript NM_000388.4 (MANE Select); coding-DNA position 636, one base duplicated (T; older notation c.636dupT).
Protein change: p.Ala213fs; shifts the reading frame from alanine 213.
Molecular consequence: frameshift variant.
Genome position (GRCh38, 1-based): chr3:122,261,671, T duplicated; the last of 2 consecutive T bases (chr3:122,261,670-122,261,671); duplicating either gives the same sequence. VCF-style (leftmost placement, unchanged base first): chr3-122261669-A-AT. GRCh37 (hg19) VCF-style: chr3-121980516-A-AT.
Other names: c.636dup, p.Ala213fs (NM_001178065.2); short protein forms A213fs.
Identifiers: ClinVar variation 3759205 (VCV003759205.2).

ClinVar aggregate classification (germline): Pathogenic (1 of 4 stars; one submission).

Conditions:
Autosomal dominant hypocalcemia 1 (HYPOC1). Also called: HYPOCALCEMIA, FAMILIAL. Identifiers: MedGen C3715128, MONDO:0011013, OMIM 601198.
Familial hypocalciuric hypercalcemia (FHH). Also called: Familial benign hypercalcemia. Identifiers: Orphanet 405, MedGen C1809471, MONDO:0018458.

Submission:

Labcorp Genetics (formerly Invitae), Labcorp
Classification: Pathogenic for Familial hypocalciuric hypercalcemia; Autosomal dominant hypocalcemia 1. Last evaluated: 2024-09-23. Review status: criteria provided, single submitter. Criteria: Invitae Variant Classification Sherloc (09022015). Collection method: clinical testing. Allele origin: germline.
Comment: This sequence change creates a premature translational stop signal (p.Ala213Cysfs*3) in the CASR gene. It is expected to result in an absent or disrupted protein product. Loss-of-function variants in CASR are known to be pathogenic (PMID: 11807402, 14985373, 22422767). This variant is not present in population databases (gnomAD no frequency). This variant has not been reported in the literature in individuals affected with CASR-related conditions. For these reasons, this variant has been classified as Pathogenic.

Literature cited by the submitters: PubMed 11807402; PubMed 14985373; PubMed 22422767.